The following is an entry in ClinVar:

NM_014874.4(MFN2):c.708+5CTC[2]

Gene: MFN2 (mitofusin 2; plus strand). Cytogenetic location: 1p36.22.
Variant type: Microsatellite.
Coding change: c.708+5CTC[2] on transcript NM_014874.4 (MANE Select); two copies in a row of the 3-base unit CTC starting at c.708+5; the reference has three copies in a row; one copy, 3 bases deleted.
Molecular consequence: intron variant.
Genome position (GRCh38, 1-based): chr1:11,998,889-11,998,891, CTC deleted; deleting any 3 consecutive bases within chr1:11,998,883-11,998,891 gives the same sequence; the position shown is the placement nearest the transcript's 3' end. VCF-style (leftmost placement, unchanged base first): chr1-11998882-ACTC-A. GRCh37 (hg19) VCF-style: chr1-12058939-ACTC-A.
Other names: c.708+11_708+13delCTC (NM_014874.3); c.708+11_708+13del (NM_001127660.1); c.708+5CTC[2] (NM_001127660.2).
Identifiers: ClinVar variation 216874 (VCV000216874.11), dbSNP rs863224842, ClinGen allele CA337207.

ClinVar aggregate classification (germline): Conflicting classifications of pathogenicity. Review status: criteria provided, conflicting classifications (1 of 4 stars). 3 submissions from 3 submitters: Likely pathogenic (1); Likely benign (1). 1 of the submissions does not count toward it. Last evaluated 2024-04-30.

Conditions:
Charcot-Marie-Tooth disease. Also called: Charcot-Marie-Tooth Neuropathy; Charcot-Marie-Tooth Hereditary Neuropathy. Identifiers: Orphanet 166, MedGen C0007959, MONDO:0015626.
Charcot-Marie-Tooth disease type 2. Also called: Charcot-Marie-Tooth type 2. Identifiers: Orphanet 64746, MedGen C0270914, MONDO:0018993.

Submissions (3):

Labcorp Genetics (formerly Invitae), Labcorp
Classification: Likely pathogenic for Charcot-Marie-Tooth disease type 2. Last evaluated: 2024-04-30. Review status: criteria provided, single submitter. Criteria: Invitae Variant Classification Sherloc (09022015). Collection method: clinical testing. Allele origin: germline.
Comment: This sequence change falls in intron 7 of the MFN2 gene. It does not directly change the encoded amino acid sequence of the MFN2 protein. This variant is present in population databases (rs767519297, gnomAD 0.008%). This variant has been observed in individual(s) with clinical features of MFN2-related conditions (Invitae). In at least one individual the data is consistent with being in trans (on the opposite chromosome) from a pathogenic variant. It has also been observed to segregate with disease in related individuals. ClinVar contains an entry for this variant (Variation ID: 216874). Algorithms developed to predict the effect of sequence changes on RNA splicing suggest that this variant is not likely to affect RNA splicing. In summary, the currently available evidence indicates that the variant is pathogenic, but additional data are needed to prove that conclusively. Therefore, this variant has been classified as Likely Pathogenic.

Blueprint Genetics
Classification: Likely benign. Last evaluated: 2024-04-15. Review status: criteria provided, single submitter. Criteria: ACMG Guidelines, 2015. Collection method: clinical testing. Allele origin: germline.

Genesis Genome Database
Classification: Uncertain significance for Charcot-Marie-Tooth disease. Last evaluated: 2019-08-14. Review status: no assertion criteria provided. Collection method: research. Allele origin: germline. Affected: yes. Not counted in ClinVar's aggregate classification.